The following is an entry in ClinVar:

ClinVar aggregate classification (germline): Uncertain significance. Review status: criteria provided, multiple submitters, no conflicts (2 of 4 stars). 3 submissions from 3 submitters: Uncertain significance (3). Last evaluated 2024-12-07.

Conditions:
Inborn genetic diseases. Identifiers: MedGen C0950123, MeSH D030342.
Spastic paraplegia. Identifiers: MedGen C0037772, HP:0001258.

Allele frequency attached by ClinVar (database versions not stated): ExAC 0.00001.
gnomAD v4.1: 6 of 1,613,814 alleles (0.00037%); highest among the groups gnomAD compares: Non-Finnish European, 0.00051%; no homozygotes.

Submissions (3):

Ambry Genetics
Classification: Uncertain significance for Inborn genetic diseases. Last evaluated: 2024-12-07. Review status: criteria provided, single submitter. Criteria: Ambry Variant Classification Scheme 2023. Collection method: clinical testing. Allele origin: germline.

Labcorp Genetics (formerly Invitae), Labcorp
Classification: Uncertain significance for Spastic paraplegia. Last evaluated: 2023-12-21. Review status: criteria provided, single submitter. Criteria: Invitae Variant Classification Sherloc (09022015). Collection method: clinical testing. Allele origin: germline.
Comment: This sequence change replaces alanine, which is neutral and non-polar, with proline, which is neutral and non-polar, at codon 1031 of the KIF5A protein (p.Ala1031Pro). This variant is present in population databases (rs749631031, gnomAD 0.0009%). This variant has not been reported in the literature in individuals affected with KIF5A-related conditions. ClinVar contains an entry for this variant (Variation ID: 1163937). Advanced modeling of protein sequence and biophysical properties (such as structural, functional, and spatial information, amino acid conservation, physicochemical variation, residue mobility, and thermodynamic stability) performed at Invitae indicates that this missense variant is not expected to disrupt KIF5A protein function with a negative predictive value of 95%. In summary, the available evidence is currently insufficient to determine the role of this variant in disease. Therefore, it has been classified as a Variant of Uncertain Significance.

Mayo Clinic Laboratories, Mayo Clinic
Classification: Uncertain significance. Last evaluated: 2019-07-15. Review status: criteria provided, single submitter. Criteria: ACMG Guidelines, 2015. Collection method: clinical testing. Allele origin: germline. Observed: 1 variant allele.

NM_004984.4(KIF5A):c.3091G>C (p.Ala1031Pro)

Gene: KIF5A (kinesin family member 5A; plus strand). Cytogenetic location: 12q13.3.
Variant type: single nucleotide variant.
Coding change: c.3091G>C on transcript NM_004984.4 (MANE Select); coding-DNA position 3091, G replaced by C.
Protein change: p.Ala1031Pro; replaces alanine 1031 with proline.
Molecular consequence: missense variant.
Genome position (GRCh38, 1-based): chr12:57,583,171, G>C. VCF-style: chr12-57583171-G-C. GRCh37 (hg19) VCF-style: chr12-57976954-G-C.
Other names: c.2824G>C, p.Ala942Pro (NM_001354705.2); short protein forms A1031P, A942P.
Identifiers: ClinVar variation 1163937 (VCV001163937.10), dbSNP rs749631031, ClinGen allele CA6653313.